The following is an entry in ClinVar:

NM_000342.4(SLC4A1):c.2336T>C (p.Ile779Thr)

Gene: SLC4A1 (solute carrier family 4 member 1 (Diego blood group); minus strand). Cytogenetic location: 17q21.31.
Variant type: single nucleotide variant.
Coding change: c.2336T>C on transcript NM_000342.4 (MANE Select); coding-DNA position 2336, T replaced by C.
Protein change: p.Ile779Thr; replaces isoleucine 779 with threonine.
Molecular consequence: missense variant.
Genome position (GRCh38, 1-based): chr17:44,251,564, A>G on the plus strand (T>C on the coding strand, the complement: SLC4A1 is on the minus strand). VCF-style: chr17-44251564-A-G. GRCh37 (hg19) VCF-style: chr17-42328932-A-G.
Other names: short protein forms I779T.
Identifiers: ClinVar variation 3665862 (VCV003665862.2).

ClinVar aggregate classification (germline): Uncertain significance (1 of 4 stars; one submission).

Submission:

Labcorp Genetics (formerly Invitae), Labcorp
Classification: Uncertain significance. Last evaluated: 2024-11-27. Review status: criteria provided, single submitter. Criteria: Invitae Variant Classification Sherloc (09022015). Collection method: clinical testing. Allele origin: germline.
Comment: This sequence change replaces isoleucine, which is neutral and non-polar, with threonine, which is neutral and polar, at codon 779 of the SLC4A1 protein (p.Ile779Thr). This variant is not present in population databases (gnomAD no frequency). This variant has not been reported in the literature in individuals affected with SLC4A1-related conditions. Invitae Evidence Modeling of protein sequence and biophysical properties (such as structural, functional, and spatial information, amino acid conservation, physicochemical variation, residue mobility, and thermodynamic stability) indicates that this missense variant is not expected to disrupt SLC4A1 protein function with a negative predictive value of 80%. In summary, the available evidence is currently insufficient to determine the role of this variant in disease. Therefore, it has been classified as a Variant of Uncertain Significance.